The following is an entry in ClinVar:

ClinVar aggregate classification (germline): Benign/Likely benign. Review status: criteria provided, multiple submitters, no conflicts (2 of 4 stars). 4 submissions from 4 submitters: Benign (2); Likely benign (2). Last evaluated 2025-12-27.

Conditions:
Alzheimer disease. Also called: Presenile and senile dementia; Alzheimer's disease. Identifiers: Orphanet 1020, MedGen C0002395, MeSH D000544, MONDO:0004975, HP:0002511.

Allele frequency attached by ClinVar (database versions not stated): TOPMed 0.00005; gnomAD exomes 0.00044 and 0.00105; 1000 Genomes Project 30x 0.00062; 1000 Genomes Project 0.00080; gnomAD 0.00085 and 0.00089; ExAC 0.00096.
gnomAD v4.1: 762 of 1,613,554 alleles (0.047%); highest among the groups gnomAD compares: Middle Eastern, 0.016%; 6 homozygotes.

Submissions (4):

Labcorp Genetics (formerly Invitae), Labcorp
Classification: Benign for Alzheimer disease. Last evaluated: 2025-12-27. Review status: criteria provided, single submitter. Criteria: Invitae Variant Classification Sherloc (09022015). Collection method: clinical testing. Allele origin: germline.

CeGaT Center for Human Genetics Tuebingen
Classification: Likely benign. Last evaluated: 2025-05-01. Review status: criteria provided, single submitter. Criteria: CeGaT Center For Human Genetics Tuebingen Variant Classification Criteria Version 2. Collection method: clinical testing. Allele origin: germline. Affected: yes. Observed: 1 variant allele.
Comment: APP: BP4, BS1

Blueprint Genetics
Classification: Likely benign. Last evaluated: 2024-11-25. Review status: criteria provided, single submitter. Criteria: ACMG Guidelines, 2015. Collection method: clinical testing. Allele origin: germline.

Athena Diagnostics
Classification: Benign. Last evaluated: 2024-10-24. Review status: criteria provided, single submitter. Criteria: Athena Diagnostics Criteria. Collection method: clinical testing. Allele origin: unknown.

NM_000484.4(APP):c.663-7T>C

Gene: APP (amyloid beta precursor protein; minus strand). Cytogenetic location: 21q21.3.
Variant type: single nucleotide variant.
Coding change: c.663-7T>C on transcript NM_000484.4 (MANE Select); 7 bases into the intron before coding-DNA position 663, T replaced by C.
Molecular consequence: intron variant.
Genome position (GRCh38, 1-based): chr21:26,022,049, A>G on the plus strand (T>C on the coding strand, the complement: APP is on the minus strand). VCF-style: chr21-26022049-A-G. GRCh37 (hg19) VCF-style: chr21-27394365-A-G.
Other names: c.558-7T>C (NM_001136131.3); c.495-7T>C (NM_001136129.3, NM_001136130.3); c.663-7T>C (NM_001204303.2, NM_201414.3, NM_001385253.1 and 4 more transcripts); c.648-7T>C (NM_001136016.3).
Identifiers: ClinVar variation 1170744 (VCV001170744.21), dbSNP rs183084252, ClinGen allele CA9987593.